The following is an entry in ClinVar:

ClinVar aggregate classification (germline): Pathogenic/Likely pathogenic. Review status: criteria provided, multiple submitters, no conflicts (2 of 4 stars). 4 submissions from 4 submitters: Pathogenic (3); Likely pathogenic (1). Last evaluated 2024-10-15.

Conditions:
Anterior segment dysgenesis 6 (ASGD6). Also called: Anterior segment dysgenesis 6, multiple subtypes. Identifiers: MedGen C4310623, MONDO:0015016, OMIM 617315.
Primary congenital glaucoma. Also called: Primary congenital glaucoma (disease). Identifiers: MedGen C1533041, MONDO:0000365, HP:0008007.
Congenital glaucoma. Identifiers: MedGen C0020302, MONDO:0020366.

Submissions (4):

Women's Health and Genetics/Laboratory Corporation of America, LabCorp
Classification: Pathogenic for Primary congenital glaucoma. Last evaluated: 2024-10-15. Review status: criteria provided, single submitter. Criteria: LabCorp Variant Classification Summary - May 2015. Collection method: clinical testing. Allele origin: germline.
Comment: Variant summary: CYP1B1 c.1390dupT (p.Ser464PhefsX14) results in a premature termination codon in the last exon, predicted to cause a truncation of the encoded protein, however, nonsense mediated decay is not expected to occur. The variant allele was found at a frequency of 8e-06 in 251452 control chromosomes. c.1390dupT has been reported in the literature in multiple compound heterozygous individuals affected with Primary Congenital Glaucoma, including patients with a bilateral phenotype (e.g. Cardoso_2015, Milla_2013). These data indicate that the variant may be associated with disease. At least one downstream pathogenic variant has been classified as Pathogenic by our lab and in ClinVar (c.1405C>T (p.Arg469Trp)), providing evidence that the region altered by the variant is critical to protein function. To our knowledge, no experimental evidence demonstrating an impact on protein function has been reported. The following publications have been ascertained in the context of this evaluation (PMID: 25952714, 23922489). ClinVar contains an entry for this variant (Variation ID: 1324202). Based on the evidence outlined above, the variant was classified as pathogenic.

Baylor Genetics
Classification: Pathogenic for Anterior segment dysgenesis 6. Last evaluated: 2024-03-04. Review status: criteria provided, single submitter. Criteria: ACMG Guidelines, 2015. Collection method: clinical testing. Allele origin: unknown.

Labcorp Genetics (formerly Invitae), Labcorp
Classification: Pathogenic for Congenital glaucoma. Last evaluated: 2024-01-16. Review status: criteria provided, single submitter. Criteria: Invitae Variant Classification Sherloc (09022015). Collection method: clinical testing. Allele origin: germline.
Comment: This sequence change creates a premature translational stop signal (p.Ser464Phefs*14) in the CYP1B1 gene. While this is not anticipated to result in nonsense mediated decay, it is expected to disrupt the last 80 amino acid(s) of the CYP1B1 protein. This variant is present in population databases (rs777515179, gnomAD 0.006%). This variant has not been reported in the literature in individuals affected with CYP1B1-related conditions. This variant is also known as c.1385_1390insT (p.Ser464PhefsX12). ClinVar contains an entry for this variant (Variation ID: 1324202). This variant disrupts a region of the CYP1B1 protein in which other variant(s) (p.Ser464*) have been determined to be pathogenic (PMID: 24940937; Invitae). This suggests that this is a clinically significant region of the protein, and that variants that disrupt it are likely to be disease-causing. For these reasons, this variant has been classified as Pathogenic.

GeneDx
Classification: Likely pathogenic. Last evaluated: 2024-01-03. Review status: criteria provided, single submitter. Criteria: GeneDx Variant Classification Process June 2021. Collection method: clinical testing. Allele origin: germline. Affected: yes.
Comment: Identified as p.Ser464PhefsX12 with a second CYP1B1 variant in an individual with primary congenital glaucoma in the published literature (PMID: 23922489); Frameshift variant predicted to result in protein truncation, as the last 80 amino acids are replaced with 13 different amino acids, and other loss-of-function variants have been reported downstream in HGMD; Not observed at significant frequency in large population cohorts (gnomAD); This variant is associated with the following publications: (PMID: 26689913, 23922489, 36995002)

Literature cited by the submitters: PubMed 25952714 (cited by Women's Health and Genetics/Laboratory Corporation of America, LabCorp); PubMed 23922489 (cited by Women's Health and Genetics/Laboratory Corporation of America, LabCorp); PubMed 24940937 (cited by Labcorp Genetics (formerly Invitae), Labcorp).

NM_000104.4(CYP1B1):c.1390dup (p.Ser464fs)

Genes: CYP1B1 (cytochrome P450 family 1 subfamily B member 1; minus strand), LOC128772254 (melanoma risk locus-associated MPRA allelic enhancer 2:38298139; plus strand). Cytogenetic location: 2p22.2.
Variant type: Duplication.
Coding change: c.1390dup on transcript NM_000104.4 (MANE Select); coding-DNA position 1390, one base duplicated (T; older notation c.1390dupT).
Protein change: p.Ser464fs; shifts the reading frame from serine 464.
Molecular consequence: frameshift variant.
Genome position (GRCh38, 1-based): chr2:38,070,964, A duplicated on the plus strand (T on the coding strand, the reverse complement: CYP1B1 is on the minus strand); the first of 6 consecutive A bases (chr2:38,070,964-38,070,969); duplicating any one gives the same sequence. VCF-style (leftmost placement, unchanged base first): chr2-38070963-G-GA. GRCh37 (hg19) VCF-style: chr2-38298106-G-GA.
Other names: c.1390dupT (NM_000104.4); short protein forms S464fs.
Identifiers: ClinVar variation 1324202 (VCV001324202.14), dbSNP rs777515179, ClinGen allele CA1619792.